The following is an entry in ClinVar:

ClinVar aggregate classification (germline): Likely pathogenic (1 of 4 stars; one submission).

Conditions:
Alpha-1-antitrypsin deficiency (A1ATD). Also called: AAT deficiency; A1AT deficiency; Alpha1-Antitrypsin Deficiency. Identifiers: Orphanet 60, MedGen C0221757, MONDO:0013282, OMIM 613490.

Allele frequency attached by ClinVar (database versions not stated): gnomAD exomes below 0.00001.

Submission:

Labcorp Genetics (formerly Invitae), Labcorp
Classification: Likely pathogenic for Alpha-1-antitrypsin deficiency. Last evaluated: 2022-05-10. Review status: criteria provided, single submitter. Criteria: Invitae Variant Classification Sherloc (09022015). Collection method: clinical testing. Allele origin: germline.
Comment: In summary, the currently available evidence indicates that the variant is pathogenic, but additional data are needed to prove that conclusively. Therefore, this variant has been classified as Likely Pathogenic. This variant disrupts the p.Glu366 amino acid residue in SERPINA1. Other variant(s) that disrupt this residue have been determined to be pathogenic (PMID: 15978931, 22426792, 23632999). This suggests that this residue is clinically significant, and that variants that disrupt this residue are likely to be disease-causing. Advanced modeling of protein sequence and biophysical properties (such as structural, functional, and spatial information, amino acid conservation, physicochemical variation, residue mobility, and thermodynamic stability) performed at Invitae indicates that this missense variant is expected to disrupt SERPINA1 protein function. This variant has not been reported in the literature in individuals affected with SERPINA1-related conditions. This variant is not present in population databases (gnomAD no frequency). This sequence change replaces glutamic acid, which is acidic and polar, with glycine, which is neutral and non-polar, at codon 366 of the SERPINA1 protein (p.Glu366Gly).

Literature cited by the submitters: PubMed 15978931; PubMed 22426792; PubMed 23632999.

NM_000295.5(SERPINA1):c.1097A>G (p.Glu366Gly)

Gene: SERPINA1 (serpin family A member 1; minus strand). Cytogenetic location: 14q32.13.
Variant type: single nucleotide variant.
Coding change: c.1097A>G on transcript NM_000295.5 (MANE Select); coding-DNA position 1097, A replaced by G.
Protein change: p.Glu366Gly; replaces glutamic acid 366 with glycine.
Molecular consequence: missense variant.
Genome position (GRCh38, 1-based): chr14:94,378,609, T>C on the plus strand (A>G on the coding strand, the complement: SERPINA1 is on the minus strand). VCF-style: chr14-94378609-T-C. GRCh37 (hg19) VCF-style: chr14-94844946-T-C.
Other names: c.1097A>G, p.Glu366Gly (NM_001002235.3, NM_001002236.3, NM_001127700.2 and 7 more transcripts); short protein forms E366G.
Identifiers: ClinVar variation 1989795 (VCV001989795.4), dbSNP rs2504728206, ClinGen allele CA390847802.